The following is an entry in ClinVar:

NM_001145026.2(PTPRQ):c.4105A>G (p.Ile1369Val)

Gene: PTPRQ (protein tyrosine phosphatase receptor type Q; plus strand). Cytogenetic location: 12q21.31.
Variant type: single nucleotide variant.
Coding change: c.4105A>G on transcript NM_001145026.2 (MANE Select); coding-DNA position 4105, A replaced by G.
Protein change: p.Ile1369Val; replaces isoleucine 1369 with valine.
Molecular consequence: missense variant.
Genome position (GRCh38, 1-based): chr12:80,549,554, A>G. VCF-style: chr12-80549554-A-G. GRCh37 (hg19) VCF-style: chr12-80943333-A-G.
Other names: short protein forms I1369V.
Identifiers: ClinVar variation 3052717 (VCV003052717.3), dbSNP rs371690677, ClinGen allele CA6702699.

ClinVar aggregate classification (germline): Uncertain significance. Review status: criteria provided, single submitter (1 of 4 stars). 2 submissions from 2 submitters: Uncertain significance (1). 1 of the submissions does not count toward it. Last evaluated 2023-11-10.

Conditions:
PTPRQ-related disorder. Also called: PTPRQ-related condition.

Allele frequency attached by ClinVar (database versions not stated): gnomAD exomes 0.00007; ExAC 0.00026; 1000 Genomes Project 0.00060; 1000 Genomes Project 30x 0.00062; gnomAD 0.00074; TOPMed 0.00106; ESP Exome Variant Server 0.00131.
gnomAD v4.1: 220 of 1,551,252 alleles (0.014%); highest among the groups gnomAD compares: African/African-American, 0.23%; no homozygotes.

Submissions (2):

Blueprint Genetics
Classification: Uncertain significance. Last evaluated: 2023-11-10. Review status: criteria provided, single submitter. Criteria: ACMG Guidelines, 2015. Collection method: clinical testing. Allele origin: germline.

PreventionGenetics, part of Exact Sciences
Classification: Likely benign for PTPRQ-related condition. Last evaluated: 2023-06-13. Review status: no assertion criteria provided. Collection method: clinical testing. Allele origin: germline. Not counted in ClinVar's aggregate classification.
Comment: This variant is classified as likely benign based on ACMG/AMP sequence variant interpretation guidelines (Richards et al. 2015 PMID: 25741868, with internal and published modifications).